The following is an entry in ClinVar:

ClinVar aggregate classification (germline): Benign (0 of 4 stars; one submission).

Conditions:
AXIN1-related disorder. Also called: AXIN1-related condition.

gnomAD v4.1: 9,857 of 1,612,702 alleles (0.61%); highest among the groups gnomAD compares: Non-Finnish European, 0.78%; 43 homozygotes.

Submission:

PreventionGenetics, part of Exact Sciences
Classification: Benign for AXIN1-related condition. Last evaluated: 2024-04-11. Review status: no assertion criteria provided. Collection method: clinical testing. Allele origin: germline.
Comment: This variant is classified as benign based on ACMG/AMP sequence variant interpretation guidelines (Richards et al. 2015 PMID: 25741868, with internal and published modifications).

NM_003502.4(AXIN1):c.*37C>A

Gene: AXIN1 (axin 1; minus strand). Cytogenetic location: 16p13.3.
Variant type: single nucleotide variant.
Coding change: c.*37C>A on transcript NM_003502.4 (MANE Select); 37 bases downstream of the stop codon, C replaced by A.
Molecular consequence: 3 prime UTR variant. On other transcripts: non-coding transcript variant (1).
Genome position (GRCh38, 1-based): chr16:288,085, G>T on the plus strand (C>A on the coding strand, the complement: AXIN1 is on the minus strand). VCF-style: chr16-288085-G-T. GRCh37 (hg19) VCF-style: chr16-338085-G-T.
Other names: c.*37C>A (NM_181050.3).
Identifiers: ClinVar variation 3352842 (VCV003352842.1).